The following is an entry in ClinVar:

NM_003742.4(ABCB11):c.2912T>A (p.Phe971Tyr)

Gene: ABCB11 (ATP binding cassette subfamily B member 11; minus strand). Cytogenetic location: 2q31.1.
Variant type: single nucleotide variant.
Coding change: c.2912T>A on transcript NM_003742.4 (MANE Select); coding-DNA position 2912, T replaced by A.
Protein change: p.Phe971Tyr; replaces phenylalanine 971 with tyrosine.
Molecular consequence: missense variant.
Genome position (GRCh38, 1-based): chr2:168,935,328, A>T on the plus strand (T>A on the coding strand, the complement: ABCB11 is on the minus strand). VCF-style: chr2-168935328-A-T. GRCh37 (hg19) VCF-style: chr2-169791838-A-T.
Other names: short protein forms F971Y.
Identifiers: ClinVar variation 4846004 (VCV004846004.1).
Genomic context (GRCh38, chr2:168,935,328, plus strand): 5'-ATGCACTGGGCAAAGGCAAAGCAGAATCCGTAAATATTGGCTTTCTGAATGGCTGTCTTG[A>T]AGGGCTTCTCCAGCTCAGTCTCAAGTGCTTCAATGAACCGCCTCTCCTTTCCAATTCCAG-3'
Protein context (NP_003733.2, residues 961-981): EALETELEKP[Phe971Tyr]KTAIQKANIY

ClinVar aggregate classification (germline): Uncertain significance (1 of 4 stars; one submission).

Conditions:
Familial intrahepatic cholestasis. Identifiers: Orphanet 284385, MedGen CN296401, MONDO:0017290.

Submission:

Genomenon, Inc
Classification: Uncertain significance for Familial intrahepatic cholestasis. Last evaluated: 2026-04-14. Review status: criteria provided, single submitter. Criteria: Genomenon Sequence Variant Interpretation Standards - Updated. Collection method: curation. Allele origin: germline. Affected: no.
Comment: ABCB11 p.Phe971Tyr (c.2912T>A) is a missense variant that changes the amino acid at residue 971 from Phenylalanine to Tyrosine. This variant has been reported in the published literature (PMID:22795478). It is absent or not present at a significant frequency in gnomAD. In silico models predict that this variant is not damaging. In conclusion, we classify ABCB11 p.Phe971Tyr (c.2912T>A) as a variant of uncertain significance.

Literature cited by the submitters: PubMed 22795478.